The following is an entry in ClinVar:

NM_001142800.2(EYS):c.5659C>T (p.Arg1887Cys)

Gene: EYS (eyes shut homolog; minus strand). Cytogenetic location: 6q12.
Variant type: single nucleotide variant.
Coding change: c.5659C>T on transcript NM_001142800.2 (MANE Select); coding-DNA position 5659, C replaced by T.
Protein change: p.Arg1887Cys; replaces arginine 1887 with cysteine.
Molecular consequence: missense variant.
Genome position (GRCh38, 1-based): chr6:64,439,338, G>A on the plus strand (C>T on the coding strand, the complement: EYS is on the minus strand). VCF-style: chr6-64439338-G-A. GRCh37 (hg19) VCF-style: chr6-65149231-G-A.
Other names: c.5659C>T, p.Arg1887Cys (NM_001292009.2); short protein forms R1887C.
Identifiers: ClinVar variation 1402353 (VCV001402353.3), dbSNP rs748501500, ClinGen allele CA3876993.

ClinVar aggregate classification (germline): Uncertain significance (1 of 4 stars; one submission).

Allele frequency attached by ClinVar (database versions not stated): gnomAD 0.00002 and 0.00003; gnomAD exomes 0.00002; TOPMed 0.00002; ExAC 0.00005.
gnomAD v4.1: 31 of 1,500,888 alleles (0.0021%); highest among the groups gnomAD compares: South Asian, 0.0041%; no homozygotes.

Submission:

Labcorp Genetics (formerly Invitae), Labcorp
Classification: Uncertain significance. Last evaluated: 2021-11-06. Review status: criteria provided, single submitter. Criteria: Invitae Variant Classification Sherloc (09022015). Collection method: clinical testing. Allele origin: germline.
Comment: This sequence change replaces arginine, which is basic and polar, with cysteine, which is neutral and slightly polar, at codon 1887 of the EYS protein (p.Arg1887Cys). The frequency data for this variant in the population databases is considered unreliable, as metrics indicate poor data quality at this position in the gnomAD database. This variant has not been reported in the literature in individuals affected with EYS-related conditions. Algorithms developed to predict the effect of missense changes on protein structure and function output the following: SIFT: "Tolerated"; PolyPhen-2: "Benign"; Align-GVGD: "Class C0". The cysteine amino acid residue is found in multiple mammalian species, which suggests that this missense change does not adversely affect protein function. In summary, the available evidence is currently insufficient to determine the role of this variant in disease. Therefore, it has been classified as a Variant of Uncertain Significance.